The following is an entry in ClinVar:

ClinVar aggregate classification (germline): Uncertain significance (1 of 4 stars; one submission).

Conditions:
Hereditary cancer-predisposing syndrome. Also called: Hereditary Cancer Syndrome; Neoplastic Syndromes, Hereditary; Tumor predisposition; Hereditary neoplastic syndrome. Identifiers: Orphanet 140162, MedGen C0027672, MeSH D009386, MONDO:0015356.

Submission:

Labcorp Genetics (formerly Invitae), Labcorp
Classification: Uncertain significance for Hereditary cancer-predisposing syndrome. Last evaluated: 2023-08-01. Review status: criteria provided, single submitter. Criteria: Invitae Variant Classification Sherloc (09022015). Collection method: clinical testing. Allele origin: germline.
Comment: Advanced modeling of protein sequence and biophysical properties (such as structural, functional, and spatial information, amino acid conservation, physicochemical variation, residue mobility, and thermodynamic stability) performed at Invitae indicates that this missense variant is not expected to disrupt RAD50 protein function. This variant has not been reported in the literature in individuals affected with RAD50-related conditions. This variant is not present in population databases (gnomAD no frequency). This sequence change replaces isoleucine, which is neutral and non-polar, with methionine, which is neutral and non-polar, at codon 747 of the RAD50 protein (p.Ile747Met). In summary, the available evidence is currently insufficient to determine the role of this variant in disease. Therefore, it has been classified as a Variant of Uncertain Significance.

NM_005732.4(RAD50):c.2241A>G (p.Ile747Met)

Gene: RAD50 (RAD50 double strand break repair protein; plus strand). Cytogenetic location: 5q31.1.
Variant type: single nucleotide variant.
Coding change: c.2241A>G on transcript NM_005732.4 (MANE Select); coding-DNA position 2241, A replaced by G.
Protein change: p.Ile747Met; replaces isoleucine 747 with methionine.
Molecular consequence: missense variant.
Genome position (GRCh38, 1-based): chr5:132,603,333, A>G. VCF-style: chr5-132603333-A-G. GRCh37 (hg19) VCF-style: chr5-131939025-A-G.
Other names: short protein forms I747M.
Identifiers: ClinVar variation 2748937 (VCV002748937.3), dbSNP rs2149846879, ClinGen allele CA360953952.